The following is an entry in ClinVar:

NM_199420.4(POLQ):c.7734A>G (p.Ile2578Met)

Gene: POLQ (DNA polymerase theta; minus strand). Cytogenetic location: 3q13.33.
Variant type: single nucleotide variant.
Coding change: c.7734A>G on transcript NM_199420.4 (MANE Select); coding-DNA position 7734, A replaced by G.
Protein change: p.Ile2578Met; replaces isoleucine 2578 with methionine.
Molecular consequence: missense variant.
Genome position (GRCh38, 1-based): chr3:121,432,343, T>C on the plus strand (A>G on the coding strand, the complement: POLQ is on the minus strand). VCF-style: chr3-121432343-T-C. GRCh37 (hg19) VCF-style: chr3-121151190-T-C.
Other names: short protein forms I2578M.
Identifiers: ClinVar variation 1760368 (VCV001760368.2), dbSNP rs2546744308, ClinGen allele CA354092620.

ClinVar aggregate classification (germline): Uncertain significance (1 of 4 stars; one submission).

Submission:

Ambry Genetics
Classification: Uncertain significance. Last evaluated: 2022-09-16. Review status: criteria provided, single submitter. Criteria: Ambry Variant Classification Scheme 2023. Collection method: clinical testing. Allele origin: germline.
Comment: The p.I2578M variant (also known as c.7734A>G), located in coding exon 30 of the POLQ gene, results from an A to G substitution at nucleotide position 7734. The isoleucine at codon 2578 is replaced by methionine, an amino acid with highly similar properties. This amino acid position is conserved. In addition, this alteration is predicted to be tolerated by in silico analysis. Since supporting evidence is limited at this time, the clinical significance of this alteration remains unclear.